The following is an entry in ClinVar:

NM_003128.3(SPTBN1):c.340G>C (p.Glu114Gln)

Gene: SPTBN1 (spectrin beta, non-erythrocytic 1; plus strand). Cytogenetic location: 2p16.2.
Variant type: single nucleotide variant.
Coding change: c.340G>C on transcript NM_003128.3 (MANE Select); coding-DNA position 340, G replaced by C.
Protein change: p.Glu114Gln; replaces glutamic acid 114 with glutamine.
Molecular consequence: missense variant.
Genome position (GRCh38, 1-based): chr2:54,612,200, G>C. VCF-style: chr2-54612200-G-C. GRCh37 (hg19) VCF-style: chr2-54839337-G-C.
Other names: c.301G>C, p.Glu101Gln (NM_178313.3); short protein forms E101Q, E114Q.
Identifiers: ClinVar variation 3448975 (VCV003448975.1).
Genomic context (GRCh38, chr2:54,612,200, plus strand): 5'-CCTCTGCTCTCCTGTTTCTAGCCTAAACCCACCAAGGGACGAATGCGCATCCACTGCTTA[G>C]AGAATGTGGACAAGGCCCTTCAGTTCCTGAAGGAGCAGAGAGTCCATCTTGAGAACATGG-3'
Protein context (NP_003119.2, residues 104-124): TKGRMRIHCL[Glu114Gln]NVDKALQFLK

ClinVar aggregate classification (germline): Uncertain significance (1 of 4 stars; one submission).

Conditions:
Inborn genetic diseases. Identifiers: MedGen C0950123, MeSH D030342.

Submission:

Ambry Genetics
Classification: Uncertain significance for Inborn genetic diseases. Last evaluated: 2024-09-03. Review status: criteria provided, single submitter. Criteria: Ambry Variant Classification Scheme 2023. Collection method: clinical testing. Allele origin: germline.
Comment: The c.340G>C (p.E114Q) alteration is located in exon 4 (coding exon 3) of the SPTBN1 gene. This alteration results from a G to C substitution at nucleotide position 340, causing the glutamic acid (E) at amino acid position 114 to be replaced by a glutamine (Q). This variant was not reported in population-based cohorts in the Genome Aggregation Database (gnomAD). This amino acid position is highly conserved in available vertebrate species. This missense alteration is located in a region that has a low rate of benign missense variation (Lek, 2016; Firth, 2009). This alteration is predicted to be deleterious by in silico analysis. Based on insufficient or conflicting evidence, the clinical significance of this alteration remains unclear.